The following is an entry in ClinVar:

ClinVar aggregate classification (germline): Uncertain significance. Review status: criteria provided, multiple submitters, no conflicts (2 of 4 stars). 2 submissions from 2 submitters: Uncertain significance (2). Last evaluated 2026-08-16.

Conditions:
Arrhythmogenic right ventricular dysplasia 13. Also called: ARRHYTHMOGENIC RIGHT VENTRICULAR CARDIOMYOPATHY 13; Arrhythmogenic right ventricular dysplasia, familial, 13. Identifiers: MedGen C3810138, MONDO:0000908, OMIM 615616.

gnomAD v4.1: 3 of 1,613,832 alleles (0.00019%); highest among the groups gnomAD compares: Admixed American, 0.0017%; no homozygotes.

Submissions (2):

Ambry Genetics
Classification: Uncertain significance. Last evaluated: 2026-08-16. Review status: criteria provided, single submitter. Criteria: Ambry Variant Classification Scheme 2023. Collection method: clinical testing. Allele origin: germline.
Comment: The p.D316G variant (also known as c.947A>G), located in coding exon 6 of the CTNNA3 gene, results from an A to G substitution at nucleotide position 947. The aspartic acid at codon 316 is replaced by glycine, an amino acid with similar properties. This amino acid position is conserved. In addition, this alteration is predicted to be deleterious by in silico analysis. Based on the available evidence, the clinical significance of this variant remains unclear.

Labcorp Genetics (formerly Invitae), Labcorp
Classification: Uncertain significance for Arrhythmogenic right ventricular dysplasia 13. Last evaluated: 2025-12-23. Review status: criteria provided, single submitter. Criteria: Invitae Variant Classification Sherloc (09022015). Collection method: clinical testing. Allele origin: germline.
Comment: This sequence change replaces aspartic acid, which is acidic and polar, with glycine, which is neutral and non-polar, at codon 316 of the CTNNA3 protein (p.Asp316Gly). This variant is present in population databases (no rsID available, gnomAD 0.003%). This variant has not been reported in the literature in individuals affected with CTNNA3-related conditions. ClinVar contains an entry for this variant (Variation ID: 2986888). Invitae Evidence Modeling of protein sequence and biophysical properties (such as structural, functional, and spatial information, amino acid conservation, physicochemical variation, residue mobility, and thermodynamic stability) indicates that this missense variant is expected to disrupt CTNNA3 protein function with a positive predictive value of 80%. In summary, the available evidence is currently insufficient to determine the role of this variant in disease. Therefore, it has been classified as a Variant of Uncertain Significance.

NM_013266.4(CTNNA3):c.947A>G (p.Asp316Gly)

Gene: CTNNA3 (catenin alpha 3; minus strand). Cytogenetic location: 10q21.3.
Variant type: single nucleotide variant.
Coding change: c.947A>G on transcript NM_013266.4 (MANE Select); coding-DNA position 947, A replaced by G.
Protein change: p.Asp316Gly; replaces aspartic acid 316 with glycine.
Molecular consequence: missense variant.
Genome position (GRCh38, 1-based): chr10:67,180,417, T>C on the plus strand (A>G on the coding strand, the complement: CTNNA3 is on the minus strand). VCF-style: chr10-67180417-T-C. GRCh37 (hg19) VCF-style: chr10-68940175-T-C.
Other names: c.947A>G, p.Asp316Gly (NM_001127384.3); c.983A>G, p.Asp328Gly (NM_001291133.2); c.947A>G (NM_013266.2); short protein forms D328G, D316G.
Identifiers: ClinVar variation 2986888 (VCV002986888.5), dbSNP rs1171759426, ClinGen allele CA377096913.